The following is an entry in ClinVar:

ClinVar aggregate classification (germline): Uncertain significance. Review status: criteria provided, multiple submitters, no conflicts (2 of 4 stars). 2 submissions from 2 submitters: Uncertain significance (2). Last evaluated 2026-07-07.

Conditions:
Hereditary cancer-predisposing syndrome. Also called: Neoplastic Syndromes, Hereditary; Tumor predisposition; Hereditary Cancer Syndrome; Hereditary neoplastic syndrome. Identifiers: Orphanet 140162, MedGen C0027672, MeSH D009386, MONDO:0015356.

gnomAD v4.1: 1 of 1,613,984 alleles (0.000062%); highest among the groups gnomAD compares: Non-Finnish European, 0.000085%; no homozygotes.

Submissions (2):

Ambry Genetics
Classification: Uncertain significance for Hereditary cancer-predisposing syndrome. Last evaluated: 2026-07-07. Review status: criteria provided, single submitter. Criteria: Ambry Variant Classification Scheme 2023. Collection method: clinical testing. Allele origin: germline.
Comment: The p.E105K variant (also known as c.313G>A), located in coding exon 3 of the FH gene, results from a G to A substitution at nucleotide position 313. The glutamic acid at codon 105 is replaced by lysine, an amino acid with similar properties. This amino acid position is conserved. In addition, this alteration is predicted to be deleterious by in silico analysis. Based on the available evidence, the clinical significance of this variant remains unclear.

GeneDx
Classification: Uncertain significance. Last evaluated: 2025-05-11. Review status: criteria provided, single submitter. Criteria: GeneDx Variant Classification Process June 2021. Collection method: clinical testing. Allele origin: germline. Affected: yes.
Comment: Not observed at significant frequency in large population cohorts (gnomAD); In silico analysis suggests that this missense variant does not alter protein structure/function; Has not been previously published as pathogenic or benign to our knowledge

NM_000143.4(FH):c.313G>A (p.Glu105Lys)

Gene: FH (fumarate hydratase; minus strand). Cytogenetic location: 1q43.
Variant type: single nucleotide variant.
Coding change: c.313G>A on transcript NM_000143.4 (MANE Select); coding-DNA position 313, G replaced by A.
Protein change: p.Glu105Lys; replaces glutamic acid 105 with lysine.
Molecular consequence: missense variant.
Genome position (GRCh38, 1-based): chr1:241,513,668, C>T on the plus strand (G>A on the coding strand, the complement: FH is on the minus strand). VCF-style: chr1-241513668-C-T. GRCh37 (hg19) VCF-style: chr1-241676968-C-T.
Other names: short protein forms E105K.
Identifiers: ClinVar variation 4529877 (VCV004529877.2).
Genomic context (GRCh38, chr1:241,513,668, plus strand): 5'-CTGCTGCCTTCATTATTGCATTAGCAATCTTTGGATCAAGACCATAATCCTGGTTTACTT[C>T]AGCGGCCGCTCGCTTCAAGATGCCAAAAGCTTTAATAACTGGGGTCTAAAATTAATCAGA-3'
Protein context (NP_000134.2, residues 95-115): AFGILKRAAA[Glu105Lys]VNQDYGLDPK